The following is an entry in ClinVar:

ClinVar aggregate classification (germline): Uncertain significance (1 of 4 stars; one submission).

Conditions:
Neurodevelopmental disorder with or without hyperkinetic movements and seizures, autosomal dominant. Also called: Intellectual disability, autosomal dominant 8. Identifiers: MedGen C3280282, MONDO:0013655, OMIM 614254.

Submission:

Labcorp Genetics (formerly Invitae), Labcorp
Classification: Uncertain significance for Neurodevelopmental disorder with or without hyperkinetic movements and seizures, autosomal dominant. Last evaluated: 2022-03-10. Review status: criteria provided, single submitter. Criteria: Invitae Variant Classification Sherloc (09022015). Collection method: clinical testing. Allele origin: germline.
Comment: In summary, the available evidence is currently insufficient to determine the role of this variant in disease. Therefore, it has been classified as a Variant of Uncertain Significance. Advanced modeling of protein sequence and biophysical properties (such as structural, functional, and spatial information, amino acid conservation, physicochemical variation, residue mobility, and thermodynamic stability) performed at Invitae indicates that this missense variant is expected to disrupt GRIN1 protein function. This variant has not been reported in the literature in individuals affected with GRIN1-related conditions. This variant is not present in population databases (gnomAD no frequency). This sequence change replaces valine, which is neutral and non-polar, with alanine, which is neutral and non-polar, at codon 141 of the GRIN1 protein (p.Val141Ala).

NM_007327.4(GRIN1):c.422T>C (p.Val141Ala)

Gene: GRIN1 (glutamate ionotropic receptor NMDA type subunit 1; plus strand). Cytogenetic location: 9q34.3.
Variant type: single nucleotide variant.
Coding change: c.422T>C on transcript NM_007327.4 (MANE Select); coding-DNA position 422, T replaced by C.
Protein change: p.Val141Ala; replaces valine 141 with alanine.
Molecular consequence: missense variant.
Genome position (GRCh38, 1-based): chr9:137,145,754, T>C. VCF-style: chr9-137145754-T-C. GRCh37 (hg19) VCF-style: chr9-140040206-T-C.
Other names: c.422T>C, p.Val141Ala (NM_000832.7, NM_001185090.2, NM_001185091.2 and 1 more transcripts); short protein forms V141A.
Identifiers: ClinVar variation 2108290 (VCV002108290.4), dbSNP rs2538532829, ClinGen allele CA375713871.